The following continues an entry in ClinVar:

NM_000179.3(MSH6):c.3727A>T (p.Thr1243Ser)

Gene: MSH6. ClinVar aggregate classification (germline): Conflicting classifications of pathogenicity. Uncertain significance (6); Benign (3); Likely benign (12).

Submissions 17 to 24 of 24:

Genetic Services Laboratory, University of Chicago
Classification: Uncertain significance. Last evaluated: 2020-04-30. Review status: criteria provided, single submitter. Criteria: ACMG Guidelines, 2015. Collection method: clinical testing. Allele origin: germline. Affected: no.
Comment: DNA sequence analysis of the MSH6 gene demonstrated a sequence change, c.3727A>T, in exon 8 that results in an amino acid change, p.Thr1243Ser. This sequence change has been described in the gnomAD database with a frequency of 0.11% in South Asian populations (dbSNP rs147453999). The p.Thr1243Ser change has been identified in an individual with mesothelioma and exposure to asbestos (PMID: 28687356). The p.Thr1243Ser change affects a highly conserved amino acid residue located in a domain of the MSH6 protein that is known to be functional. The p.Thr1243Ser substitution appears to be deleterious using several in-silico pathogenicity prediction tools (SIFT, PolyPhen2, Align GVGD, REVEL). Due to these contrasting evidences and the lack of functional studies, the clinical significance of the p.Thr1243Ser change remains unknown at this time.

Color Diagnostics, LLC DBA Color Health
Classification: Likely benign for Hereditary cancer-predisposing syndrome. Last evaluated: 2020-03-16. Review status: criteria provided, single submitter. Criteria: ACMG Guidelines, 2015. Collection method: clinical testing. Allele origin: germline.

ARUP Laboratories, Molecular Genetics and Genomics, ARUP Laboratories
Classification: Uncertain significance. Last evaluated: 2019-10-24. Review status: criteria provided, single submitter. Criteria: ARUP Molecular Germline Variant Investigation Process. Collection method: clinical testing. Allele origin: germline.
Comment: The MSH6 c.3727A>T; p.Thr1243Ser variant (rs147453999) is reported in the literature in individuals with hereditary cancer predisposition syndrome, ovarian cancer, or mesothelioma (Betti 2017, Pal 2012, Tsaousis 2019). This variant is also reported in ClinVar (Variation ID: 127589). It is found in the general South Asian population with an allele frequency of 0.1% (35/30614 alleles, including 1 homozygote) in the Genome Aggregation Database. The threonine at codon 1243 is highly conserved, and computational analyses (SIFT, PolyPhen-2) predict that this variant may be deleterious. However, due to limited information, the clinical significance of this variant is uncertain at this time. REFERENCES Betti M et al. Germline mutations in DNA repair genes predispose asbestos-exposed patients to malignant pleural mesothelioma. Cancer Lett. 2017 Oct 1;405:38-45. Pal T et al. Frequency of mutations in mismatch repair genes in a population-based study of women with ovarian cancer. Br J Cancer. 2012 Nov 6;107(10):1783-90. Tsaousis GN et al. Analysis of hereditary cancer syndromes by using a panel of genes: novel and multiple pathogenic mutations. BMC Cancer. 2019 Jun 3;19(1):535.

GeneKor MSA
Classification: Uncertain significance for Hereditary cancer-predisposing syndrome. Last evaluated: 2018-08-01. Review status: criteria provided, single submitter. Criteria: ACMG Guidelines, 2015. Collection method: clinical testing. Allele origin: germline. Affected: yes.

Center for Human Genetics, Inc
Classification: Uncertain significance for Lynch syndrome 5. Last evaluated: 2016-11-01. Review status: criteria provided, single submitter. Criteria: ACMG Guidelines, 2015. Collection method: clinical testing. Allele origin: germline. Affected: yes.

Center of Medical Genetics and Primary Health Care
Classification: Uncertain significance for Bilateral breast cancer. Last evaluated: 2020-04-08. Review status: no assertion criteria provided. Collection method: research. Allele origin: germline. Affected: yes. Observed: 1 heterozygote. Not counted in ClinVar's aggregate classification.
Comment: ACMG Guidelines 2015 criteria PM1 Pathogenic Moderate: A domain mutATP5 (V1127-1321R aa) functioning in ATPase activity. Hot-spot has 30 non-VUS coding variants (19 pathogenic and 11 benign), pathogenicity = 63.3%, proximity score 9.180 > threshold 2.472. PP3 Pathogenic Supporting: 7 pathogenic predictions from DEOGEN2, FATHMM-MKL, M-CAP, MVP, MutationTaster, PrimateAI and SIFT vs 4 benign predictions from DANN, EIGEN, MutationAssessor and REVEL. BS1 Benign Strong: GnomAD exomes South Asian allele frequency = 0.00114 > 0.000649 derived from the 3,884 clinically reported variants in gene MSH6 of which 739 PATH, 2,198 VUS and 947 benign. BP1 Benign Supporting: 85 out of 114 non-VUS missense variants in gene MSH6 are BEN = 74.6% > threshold of 51.0%, and 947 out of 3,884 clinically reported variants in gene MSH6 are BEN = 24.4% > threshold of 24.0%. BP6: Multiple reputable databases/clinical laboratories cite the variant with conflicting classifications "uncertain significance" or "likely benign." Therefore, it has been classified as a Variant of Uncertain Significance.

True Health Diagnostics
Classification: Uncertain significance for Hereditary cancer-predisposing syndrome. Last evaluated: 2017-09-27. Review status: no assertion criteria provided. Collection method: clinical testing. Allele origin: germline. Not counted in ClinVar's aggregate classification.

Department of Pathology and Laboratory Medicine, Sinai Health System
Classification: Uncertain significance for Carcinoma of colon. Review status: no assertion criteria provided. Collection method: clinical testing. Allele origin: unknown. Affected: yes. Observed: 5 variant alleles. Study: The Canadian Open Genetics Repository (COGR). Not counted in ClinVar's aggregate classification.
Comment: The MSH6 p.Thr1243Ser variant was identified in 2 of 3972 proband chromosomes (frequency: 0.001) from individuals or families with malignant pleural mesothelioma, epithelial ovarian cancer (Betti 2017, Pal 2012). The variant was also identified in dbSNP (ID: rs147453999) as â€šÃ„ÃºWith other alleleâ€šÃ„Ã¹, in ClinVar (classified as uncertain significance by GeneDx, Ambry Genetics, Color Genomics; as likely benign by Invitae, IGLCA), Clinvitae, COGR, MutDB, and the Insight Hereditary Tumors Database. The variant was not identified in Cosmic, UMD-LSDB, Zhejiang Colon Cancer Database, or the Mismatch Repair Genes Variant Database. The variant was identified in control databases in 77 of 276950 chromosomes (1 homozygous) at a frequency of 0.0003 (Genome Aggregation Database Feb 27, 2017). It was observed in the following populations: â€šÃ„ÃºOtherâ€šÃ„Ã¹ in 7 of 6454 chromosomes (freq: 0.001), Latino in 21 of 34370 chromosomes (freq: 0.001), European in 14 of 126502 chromosomes (freq: 0.0001), and South Asian in 35 of 30782 chromosomes (freq: 0.001); it was not observed in the African, Ashkenazi Jewish, East Asian, or Finnish populations. The p.Thr1243 residue is conserved across mammals and other organisms, and computational analyses (PolyPhen-2, SIFT, AlignGVGD, BLOSUM, MutationTaster) suggest that the variant may impact the protein; however, this information is not predictive enough to assume pathogenicity. The variant occurs outside of the splicing consensus sequence and in silico or computational prediction software programs (SpliceSiteFinder, MaxEntScan, NNSPLICE, GeneSplicer, HumanSpliceFinder) do not predict a difference in splicing. In a study that integrated the prediction results of three in silico programs and two other structural properties, namely solvent accessibility and the change in the number of heavy atoms of amino acids in the MSH6 protein, the authors concluded the variant has an impact on the MSH6 protein (Terui 2013). In summary, based on the above information the clinical significance of this variant cannot be determined with certainty at this time. This variant is classified as a variant of uncertain significance.

Literature cited by the submitters: PubMed 32658311 (cited by 3 submitters); PubMed 33558524 (cited by 4 submitters); PubMed 27363726 (cited by Myriad Genetics, Inc.); PubMed 23047549 (cited by 4 submitters); PubMed 23621914 (cited by Quest Diagnostics Nichols Institute San Juan Capistrano and Women's Health and Genetics/Laboratory Corporation of America, LabCorp); PubMed 28687356 (cited by Quest Diagnostics Nichols Institute San Juan Capistrano and Women's Health and Genetics/Laboratory Corporation of America, LabCorp); PubMed 31159747 (cited by 3 submitters); PubMed 26689913 (cited by Quest Diagnostics Nichols Institute San Juan Capistrano and Women's Health and Genetics/Laboratory Corporation of America, LabCorp); PubMed 33471991 (cited by Quest Diagnostics Nichols Institute San Juan Capistrano); PubMed 29641532 (cited by Ambry Genetics); PubMed 29684080 (cited by Ambry Genetics).